The following is an entry in ClinVar:

NM_006734.4(HIVEP2):c.2076T>C (p.Cys692=)

Gene: HIVEP2 (HIVEP zinc finger 2; minus strand). Cytogenetic location: 6q24.2.
Variant type: single nucleotide variant.
Coding change: c.2076T>C on transcript NM_006734.4 (MANE Select); coding-DNA position 2076, T replaced by C.
Protein change: p.Cys692=; no amino-acid change (cysteine 692 retained).
Molecular consequence: synonymous variant.
Genome position (GRCh38, 1-based): chr6:142,772,663, A>G on the plus strand (T>C on the coding strand, the complement: HIVEP2 is on the minus strand). VCF-style: chr6-142772663-A-G. GRCh37 (hg19) VCF-style: chr6-143093800-A-G.
Identifiers: ClinVar variation 2577071 (VCV002577071.4), dbSNP rs777118927, ClinGen allele CA4028482.

ClinVar aggregate classification (germline): Benign/Likely benign. Review status: criteria provided, multiple submitters, no conflicts (2 of 4 stars). 2 submissions from 2 submitters: Benign (1); Likely benign (1). Last evaluated 2023-07-28.

Allele frequency attached by ClinVar (database versions not stated): ExAC 0.00001; gnomAD 0.00001; TOPMed 0.00001; gnomAD exomes 0.00004.
gnomAD v4.1: 63 of 1,613,958 alleles (0.0039%); highest among the groups gnomAD compares: Non-Finnish European, 0.0048%; no homozygotes.

Submissions (2):

Women's Health and Genetics/Laboratory Corporation of America, LabCorp
Classification: Likely benign. Last evaluated: 2023-07-28. Review status: criteria provided, single submitter. Criteria: LabCorp Variant Classification Summary - May 2015. Collection method: clinical testing. Allele origin: germline.
Comment: Variant summary: HIVEP2 c.2076T>C alters a non-conserved nucleotide resulting in a synonymous change. 4/4 computational tools predict no significant impact on normal splicing. However, these predictions have yet to be confirmed by functional studies. The variant allele was found at a frequency of 2.8e-05 in 249586 control chromosomes (gnomAD). The available data on variant occurrences in the general population are insufficient to allow any conclusion about variant significance. To our knowledge, no occurrence of c.2076T>C in individuals affected with Intellectual Disability, Autosomal Dominant 43 and no experimental evidence demonstrating its impact on protein function have been reported. No submitters have cited clinical-significance assessments for this variant to ClinVar after 2014. Based on the evidence outlined above, the variant was classified as likely benign.

Labcorp Genetics (formerly Invitae), Labcorp
Classification: Benign. Last evaluated: 2023-06-18. Review status: criteria provided, single submitter. Criteria: Invitae Variant Classification Sherloc (09022015). Collection method: clinical testing. Allele origin: germline.